The following is an entry in ClinVar:

NM_001429.4(EP300):c.6258G>A (p.Lys2086=)

Gene: EP300 (EP300 lysine acetyltransferase; plus strand). Cytogenetic location: 22q13.2.
Variant type: single nucleotide variant.
Coding change: c.6258G>A on transcript NM_001429.4 (MANE Select); coding-DNA position 6258, G replaced by A.
Protein change: p.Lys2086=; no amino-acid change (lysine 2086 retained).
Molecular consequence: synonymous variant.
Genome position (GRCh38, 1-based): chr22:41,177,969, G>A. VCF-style: chr22-41177969-G-A. GRCh37 (hg19) VCF-style: chr22-41573973-G-A.
Other names: c.6180G>A, p.Lys2060= (NM_001362843.2).
Identifiers: ClinVar variation 5001412 (VCV005001412.1).
Genomic context (GRCh38, chr22:41,177,969, plus strand): 5'-GCAGCAACAGGTGCTTAGTATCCTTCACGCCAACCCCCAGCTGTTGGCTGCATTCATCAA[G>A]CAGCGGGCTGCCAAGTATGCCAACTCTAATCCACAACCCATCCCTGGGCAGCCTGGCATG-3'
Protein context (NP_001420.2, residues 2076-2096): ANPQLLAAFI[Lys2086=]QRAAKYANSN

ClinVar aggregate classification (germline): Likely benign (1 of 4 stars; one submission).

Conditions:
EP300-related disorder. Also called: EP300-related condition; EP300-related disorders.

Submission:

PreventionGenetics, part of Exact Sciences
Classification: Likely benign for EP300-related condition. Last evaluated: 2025-04-14. Review status: criteria provided, single submitter. Criteria: ACMG Guidelines, 2015. Collection method: clinical testing. Allele origin: germline.
Comment: This variant is classified as likely benign based on ACMG/AMP sequence variant interpretation guidelines (Richards et al. 2015 PMID: 25741868, with internal and published modifications).